The following is an entry in ClinVar:

NM_000444.6(PHEX):c.1316T>G (p.Val439Gly)

Gene: PHEX (phosphate regulating endopeptidase X-linked; plus strand). Cytogenetic location: Xp22.11.
Variant type: single nucleotide variant.
Coding change: c.1316T>G on transcript NM_000444.6 (MANE Select); coding-DNA position 1316, T replaced by G.
Protein change: p.Val439Gly; replaces valine 439 with glycine.
Molecular consequence: missense variant.
Genome position (GRCh38, 1-based): chrX:22,133,536, T>G. VCF-style: chrX-22133536-T-G. GRCh37 (hg19) VCF-style: chrX-22151653-T-G.
Other names: c.1316T>G, p.Val439Gly (NM_001282754.2); short protein forms V439G.
Identifiers: ClinVar variation 1339437 (VCV001339437.3), dbSNP rs2147086323, ClinGen allele CA412574559.

ClinVar aggregate classification (germline): Likely pathogenic (1 of 4 stars; one submission).

Conditions:
Hypophosphatemic rickets. Identifiers: MedGen C1704375, MeSH D063730, MONDO:0024300, HP:0004912.

Submission:

Laboratory of Cyto-molecular Genetics, Department of Anatomy, All India Institute of Medical Sciences (AIIMS), New Delhi
Classification: Likely pathogenic for Hypophosphatemic rickets. Last evaluated: 2022-02-07. Review status: criteria provided, single submitter. Criteria: ACMG Guidelines, 2015. Collection method: clinical testing. Allele origin: de novo. Affected: yes. Observed: 1 variant allele.
Comment: p.(Val439Gly); missense variant

Literature cited by the submitters: PubMed 35738466.